The following is an entry in ClinVar:

NM_003073.5(SMARCB1):c.597G>T (p.Lys199Asn)

Gene: SMARCB1 (SWI/SNF related BAF chromatin remodeling complex subunit B1; plus strand). Cytogenetic location: 22q11.23.
Variant type: single nucleotide variant.
Coding change: c.597G>T on transcript NM_003073.5 (MANE Select); coding-DNA position 597, G replaced by T.
Protein change: p.Lys199Asn; replaces lysine 199 with asparagine.
Molecular consequence: missense variant.
Genome position (GRCh38, 1-based): chr22:23,803,391, G>T. VCF-style: chr22-23803391-G-T. GRCh37 (hg19) VCF-style: chr22-24145578-G-T.
Other names: c.570G>T, p.Lys190Asn (NM_001007468.3); c.624G>T, p.Lys208Asn (NM_001317946.2); c.651G>T, p.Lys217Asn (NM_001362877.2); short protein forms K208N, K190N, K199N, K217N.
Identifiers: ClinVar variation 3708250 (VCV003708250.2).

ClinVar aggregate classification (germline): Uncertain significance (1 of 4 stars; one submission).

Submission:

Labcorp Genetics (formerly Invitae), Labcorp
Classification: Uncertain significance. Last evaluated: 2024-10-31. Review status: criteria provided, single submitter. Criteria: Invitae Variant Classification Sherloc (09022015). Collection method: clinical testing. Allele origin: germline.
Comment: This sequence change replaces lysine, which is basic and polar, with asparagine, which is neutral and polar, at codon 199 of the SMARCB1 protein (p.Lys199Asn). This variant is not present in population databases (gnomAD no frequency). This variant has not been reported in the literature in individuals affected with SMARCB1-related conditions. Invitae Evidence Modeling of protein sequence and biophysical properties (such as structural, functional, and spatial information, amino acid conservation, physicochemical variation, residue mobility, and thermodynamic stability) indicates that this missense variant is expected to disrupt SMARCB1 protein function with a positive predictive value of 80%. In summary, the available evidence is currently insufficient to determine the role of this variant in disease. Therefore, it has been classified as a Variant of Uncertain Significance.